The following is an entry in ClinVar:

NM_018297.4(NGLY1):c.815A>C (p.Lys272Thr)

Gene: NGLY1 (N-glycanase 1; minus strand). Cytogenetic location: 3p24.2.
Variant type: single nucleotide variant.
Coding change: c.815A>C on transcript NM_018297.4 (MANE Select); coding-DNA position 815, A replaced by C.
Protein change: p.Lys272Thr; replaces lysine 272 with threonine.
Molecular consequence: missense variant.
Genome position (GRCh38, 1-based): chr3:25,739,643, T>G on the plus strand (A>C on the coding strand, the complement: NGLY1 is on the minus strand). VCF-style: chr3-25739643-T-G. GRCh37 (hg19) VCF-style: chr3-25781134-T-G.
Other names: c.815A>C, p.Lys272Thr (NM_001145293.2, NM_001145295.2); c.689A>C, p.Lys230Thr (NM_001145294.2); short protein forms K272T, K230T.
Identifiers: ClinVar variation 474234 (VCV000474234.6), dbSNP rs1553654532, ClinGen allele CA351902746.

ClinVar aggregate classification (germline): Uncertain significance. Review status: criteria provided, multiple submitters, no conflicts (2 of 4 stars). 2 submissions from 2 submitters: Uncertain significance (2). Last evaluated 2023-08-15.

Conditions:
Congenital disorder of deglycosylation (CDDG). Identifiers: MedGen C3808991, MONDO:0031376.
Inborn genetic diseases. Identifiers: MedGen C0950123, MeSH D030342.

Allele frequency attached by ClinVar (database versions not stated): gnomAD exomes below 0.00001; TOPMed below 0.00001; gnomAD 0.00001.
gnomAD v4.1: 2 of 1,613,992 alleles (0.00012%); highest among the groups gnomAD compares: Non-Finnish European, 0.00017%; no homozygotes.

Submissions (2):

Ambry Genetics
Classification: Uncertain significance for Inborn genetic diseases. Last evaluated: 2023-08-15. Review status: criteria provided, single submitter. Criteria: Ambry Variant Classification Scheme 2023. Collection method: clinical testing. Allele origin: germline.

Labcorp Genetics (formerly Invitae), Labcorp
Classification: Uncertain significance for Congenital disorder of deglycosylation. Last evaluated: 2022-03-19. Review status: criteria provided, single submitter. Criteria: Invitae Variant Classification Sherloc (09022015). Collection method: clinical testing. Allele origin: germline.
Comment: This sequence change replaces lysine, which is basic and polar, with threonine, which is neutral and polar, at codon 272 of the NGLY1 protein (p.Lys272Thr). This variant is not present in population databases (gnomAD no frequency). This variant has not been reported in the literature in individuals affected with NGLY1-related conditions. ClinVar contains an entry for this variant (Variation ID: 474234). Algorithms developed to predict the effect of missense changes on protein structure and function are either unavailable or do not agree on the potential impact of this missense change (SIFT: "Deleterious"; PolyPhen-2: "Benign"; Align-GVGD: "Class C25"). In summary, the available evidence is currently insufficient to determine the role of this variant in disease. Therefore, it has been classified as a Variant of Uncertain Significance.